The following is an entry in ClinVar:

NM_006005.3(WFS1):c.413G>A (p.Arg138His)

Gene: WFS1 (wolframin ER transmembrane glycoprotein; plus strand). Cytogenetic location: 4p16.1.
Variant type: single nucleotide variant.
Coding change: c.413G>A on transcript NM_006005.3 (MANE Select); coding-DNA position 413, G replaced by A.
Protein change: p.Arg138His; replaces arginine 138 with histidine.
Molecular consequence: missense variant.
Genome position (GRCh38, 1-based): chr4:6,289,084, G>A. VCF-style: chr4-6289084-G-A. GRCh37 (hg19) VCF-style: chr4-6290811-G-A.
Other names: c.413G>A, p.Arg138His (NM_001145853.1); short protein forms R138H.
Identifiers: ClinVar variation 2073332 (VCV002073332.7), dbSNP rs749520099, ClinGen allele CA2838887.

ClinVar aggregate classification (germline): Uncertain significance. Review status: criteria provided, multiple submitters, no conflicts (2 of 4 stars). 4 submissions from 4 submitters: Uncertain significance (4). Last evaluated 2024-06-09.

Conditions:
Wolfram-like syndrome. Also called: HEARING LOSS, PROGRESSIVE, WITH OPTIC ATROPHY AND/OR IMPAIRED GLUCOSE REGULATION. Identifiers: Orphanet 411590, MedGen C3280358, MONDO:0013673, OMIM 614296.
Cataract 41 (CTRCT41). Also called: CATARACT 41, CONGENITAL NUCLEAR TYPE. Identifiers: Orphanet 91492, Orphanet 98991, Orphanet 98992, Orphanet 98995, MedGen C3805412, MONDO:0007287, OMIM 116400.
Wolfram syndrome 1 (WFS1). Identifiers: Orphanet 3463, MedGen C4551693, MONDO:0009101, OMIM 222300.
Autosomal dominant nonsyndromic hearing loss 6 (LFSNHL). Also called: DEAFNESS, AUTOSOMAL DOMINANT 14; DEAFNESS, AUTOSOMAL DOMINANT 38; Autosomal dominant nonsyndromic deafness 6; DEAFNESS, AUTOSOMAL DOMINANT 6. Identifiers: Orphanet 90635, MedGen C1833021, MONDO:0010963, OMIM 600965.
Type 2 diabetes mellitus. Also called: Type II diabetes mellitus. Identifiers: MedGen C0011860, MeSH D003924, MONDO:0005148, OMIM 125853, HP:0005978.
Inborn genetic diseases. Identifiers: MedGen C0950123, MeSH D030342.

Allele frequency attached by ClinVar (database versions not stated): TOPMed below 0.00001; gnomAD exomes 0.00001; ExAC 0.00002.

Submissions (4):

Fulgent Genetics
Classification: Uncertain significance for Cataract 41; Type 2 diabetes mellitus; Wolfram syndrome 1; Autosomal dominant nonsyndromic hearing loss 6; Wolfram-like syndrome. Last evaluated: 2024-06-09. Review status: criteria provided, single submitter. Criteria: ACMG Guidelines, 2015. Collection method: clinical testing. Allele origin: germline.

Blueprint Genetics
Classification: Uncertain significance. Last evaluated: 2024-05-31. Review status: criteria provided, single submitter. Criteria: ACMG Guidelines, 2015. Collection method: clinical testing. Allele origin: germline.

Ambry Genetics
Classification: Uncertain significance for Inborn genetic diseases. Last evaluated: 2024-03-07. Review status: criteria provided, single submitter. Criteria: Ambry Variant Classification Scheme 2023. Collection method: clinical testing. Allele origin: germline.

Labcorp Genetics (formerly Invitae), Labcorp
Classification: Uncertain significance. Last evaluated: 2022-09-15. Review status: criteria provided, single submitter. Criteria: Invitae Variant Classification Sherloc (09022015). Collection method: clinical testing. Allele origin: germline.
Comment: This sequence change replaces arginine, which is basic and polar, with histidine, which is basic and polar, at codon 138 of the WFS1 protein (p.Arg138His). The frequency data for this variant in the population databases is considered unreliable, as metrics indicate poor data quality at this position in the gnomAD database. This variant has not been reported in the literature in individuals affected with WFS1-related conditions. Advanced modeling of protein sequence and biophysical properties (such as structural, functional, and spatial information, amino acid conservation, physicochemical variation, residue mobility, and thermodynamic stability) performed at Invitae indicates that this missense variant is not expected to disrupt WFS1 protein function. In summary, the available evidence is currently insufficient to determine the role of this variant in disease. Therefore, it has been classified as a Variant of Uncertain Significance.